The following is an entry in ClinVar:

NM_005188.4(CBL):c.1778G>A (p.Arg593Gln)

Gene: CBL (Cbl proto-oncogene; plus strand). Cytogenetic location: 11q23.3.
Variant type: single nucleotide variant.
Coding change: c.1778G>A on transcript NM_005188.4 (MANE Select); coding-DNA position 1778, G replaced by A.
Protein change: p.Arg593Gln; replaces arginine 593 with glutamine.
Molecular consequence: missense variant.
Genome position (GRCh38, 1-based): chr11:119,285,403, G>A. VCF-style: chr11-119285403-G-A. GRCh37 (hg19) VCF-style: chr11-119156113-G-A.
Other names: p.R593Q:CGG>CAG; short protein forms R593Q.
Identifiers: ClinVar variation 180821 (VCV000180821.11), dbSNP rs730880435, ClinGen allele CA296002.

ClinVar aggregate classification (germline): Uncertain significance. Review status: criteria provided, multiple submitters, no conflicts (2 of 4 stars). 3 submissions from 3 submitters: Uncertain significance (3). Last evaluated 2025-11-02.

Conditions:
Cardiovascular phenotype. Identifiers: MedGen CN230736.
RASopathy. Also called: Noonan spectrum disorder; rasopathies. Identifiers: Orphanet 536391, MedGen C5555857, MONDO:0021060.

Allele frequency attached by ClinVar (database versions not stated): TOPMed 0.00001.
gnomAD v4.1: 5 of 1,614,032 alleles (0.00031%); highest among the groups gnomAD compares: South Asian, 0.0011%; no homozygotes.

Submissions (3):

Labcorp Genetics (formerly Invitae), Labcorp
Classification: Uncertain significance for RASopathy. Last evaluated: 2025-11-02. Review status: criteria provided, single submitter. Criteria: Invitae Variant Classification Sherloc (09022015). Collection method: clinical testing. Allele origin: germline.
Comment: This sequence change replaces arginine, which is basic and polar, with glutamine, which is neutral and polar, at codon 593 of the CBL protein (p.Arg593Gln). This variant is present in population databases (rs730880435, gnomAD 0.003%). This variant has not been reported in the literature in individuals affected with CBL-related conditions. ClinVar contains an entry for this variant (Variation ID: 180821). Invitae Evidence Modeling of protein sequence and biophysical properties (such as structural, functional, and spatial information, amino acid conservation, physicochemical variation, residue mobility, and thermodynamic stability) indicates that this missense variant is not expected to disrupt CBL protein function with a negative predictive value of 95%. In summary, the available evidence is currently insufficient to determine the role of this variant in disease. Therefore, it has been classified as a Variant of Uncertain Significance.

Ambry Genetics
Classification: Uncertain significance for Cardiovascular phenotype. Last evaluated: 2021-06-12. Review status: criteria provided, single submitter. Criteria: Ambry Variant Classification Scheme 2023. Collection method: clinical testing. Allele origin: germline.
Comment: The p.R593Q variant (also known as c.1778G>A), located in coding exon 11 of the CBL gene, results from a G to A substitution at nucleotide position 1778. The arginine at codon 593 is replaced by glutamine, an amino acid with highly similar properties. This amino acid position is conserved. In addition, the in silico prediction for this alteration is inconclusive. Since supporting evidence is limited at this time, the clinical significance of this alteration remains unclear.

GeneDx
Classification: Uncertain significance. Last evaluated: 2017-11-29. Review status: criteria provided, single submitter. Criteria: GeneDx Variant Classification (06012015). Collection method: clinical testing. Allele origin: germline. Affected: yes.
Comment: The R593Q variant has not been published as a pathogenic variant, nor has it been reported as a benign variant to our knowledge. The variant is observed in 1/30780 (0.0032%) alleles from individuals of South Asian background (Lek et al., 2016). The variant is a semi-conservative amino acid substitution, which may impact secondary protein structure as these residues differ in some properties. In-silico analyses, including protein predictors and evolutionary conservation, support that this variant does not alter protein structure/function. In summary, based on the currently available information, it is unclear whether this variant is a pathogenic variant or a rare benign variant.